The following is an entry in ClinVar:

NM_003924.4(PHOX2B):c.778_779insGGCGGCGGCGGCAGCGGCAGCGGCGGCAGC (p.Ala260delinsGlyArgArgArgGlnArgGlnArgArgGlnPro)

Gene: PHOX2B (paired like homeobox 2B; minus strand). Cytogenetic location: 4p13.
Variant type: Insertion.
Coding change: c.778_779insGGCGGCGGCGGCAGCGGCAGCGGCGGCAGC on transcript NM_003924.4 (MANE Select); coding-DNA positions 778 to 779, GGCGGCGGCGGCAGCGGCAGCGGCGGCAGC inserted.
Protein change: p.Ala260delinsGlyArgArgArgGlnArgGlnArgArgGlnPro.
Molecular consequence: inframe indel.
Genome position: GRCh38 VCF-style: chr4-41745973-G-GGCTGCCGCCGCTGCCGCTGCCGCCGCCGCC. GRCh37 (hg19) VCF-style: chr4-41747990-G-GGCTGCCGCCGCTGCCGCTGCCGCCGCCGCC.
Identifiers: ClinVar variation 2500068 (VCV002500068.2), dbSNP rs2552096795, ClinGen allele CA2580070996.

ClinVar aggregate classification (germline): Pathogenic (1 of 4 stars; one submission).

Conditions:
Neuroblastoma, susceptibility to, 2. Identifiers: Orphanet 635, MedGen C2751682, MONDO:0700041, OMIM 613013.
Central hypoventilation syndrome, congenital, 1, with or without Hirschsprung disease (CCHS1). Also called: AUTONOMIC CONTROL, CONGENITAL FAILURE OF; ONDINE CURSE, CONGENITAL; Congenital Central Hypoventilation Syndrome (CCHS); CENTRAL HYPOVENTILATION SYNDROME, CONGENITAL, 1; Central hypoventilation syndrome, congenital, 1, with or without Hirschsprung. Identifiers: Orphanet 661, MedGen C5562075, MONDO:0800026, OMIM 209880.

Submission:

Center for Genomics, Ann and Robert H. Lurie Children's Hospital of Chicago
Classification: Pathogenic for Neuroblastoma, susceptibility to, 2; Central hypoventilation syndrome, congenital, 1, with or without Hirschsprung disease. Review status: criteria provided, single submitter. Criteria: ACMG Guidelines, 2015. Collection method: clinical testing. Allele origin: germline.
Comment: PHOX2B NM_003924.3 exon 3 p.Ala251_Ala260dup (c.750_779dup): This variant has been reported in the literature in several individuals with Congenital Central Hypoventilation Syndrome (CCHS) (Weese-Mayer 2003 PMID:14608649, Weese-Mayer 2010 PMID:20208042). This variant is not present in large control databases. Evolutionary conservation and computational predictive tools for this variant are limited or unavailable. This variant represents an in-frame duplication of 10 Alanine amino acids at position 251 and is not predicted to alter the reading frame. Wild type repeats of this region (known as the Polyalanine Repeat Expansion (PARMs)) are typically identified as 20 repeats; expansions to 24-33 repeats are known to be pathogenic (Weese-Mayer 2010 PMID:20208042), though repeat sizes of 24 and 25 have reduced penetrance. This variant represents an increase of 10 Alanine repeats for a total of 30 repeats and is within the disease associated range. Therefore, this variant is classified as pathogenic